The following is an entry in ClinVar:

NM_007186.6(CEP250):c.872T>C (p.Leu291Pro)

Gene: CEP250 (centrosomal protein 250; plus strand). Cytogenetic location: 20q11.22.
Variant type: single nucleotide variant.
Coding change: c.872T>C on transcript NM_007186.6 (MANE Select); coding-DNA position 872, T replaced by C.
Protein change: p.Leu291Pro; replaces leucine 291 with proline.
Molecular consequence: missense variant. On other transcripts: 5 prime UTR variant (1).
Genome position (GRCh38, 1-based): chr20:35,469,910, T>C. VCF-style: chr20-35469910-T-C. GRCh37 (hg19) VCF-style: chr20-34057735-T-C.
Other names: c.-1028T>C (NM_001318219.1); short protein forms L291P.
Identifiers: ClinVar variation 1479099 (VCV001479099.8), dbSNP rs1252710595, ClinGen allele CA408758011.
Genomic context (GRCh38, chr20:35,469,910, plus strand): 5'-ATGGGCTGTTCTGGTGACAGTGCTATGCTCTTCTCTTTAGGGTGACCGAGCTCTCTGCTC[T>C]GTTGACCCAGTCTCAGAAGCAAAATGAAGATTATGAAAAGATGATAAAGGCTCTGAGAGA-3'
Protein context (NP_009117.2, residues 281-301): LQDRVTELSA[Leu291Pro]LTQSQKQNED

ClinVar aggregate classification (germline): Uncertain significance (1 of 4 stars; one submission).

Allele frequency attached by ClinVar (database versions not stated): gnomAD exomes below 0.00001; gnomAD 0.00001.

Submission:

Labcorp Genetics (formerly Invitae), Labcorp
Classification: Uncertain significance. Last evaluated: 2022-11-15. Review status: criteria provided, single submitter. Criteria: Invitae Variant Classification Sherloc (09022015). Collection method: clinical testing. Allele origin: germline.
Comment: This sequence change replaces leucine, which is neutral and non-polar, with proline, which is neutral and non-polar, at codon 291 of the CEP250 protein (p.Leu291Pro). In summary, the available evidence is currently insufficient to determine the role of this variant in disease. Therefore, it has been classified as a Variant of Uncertain Significance. Algorithms developed to predict the effect of missense changes on protein structure and function are either unavailable or do not agree on the potential impact of this missense change (SIFT: "Not Available"; PolyPhen-2: "Probably Damaging"; Align-GVGD: "Not Available"). ClinVar contains an entry for this variant (Variation ID: 1479099). This variant has not been reported in the literature in individuals affected with CEP250-related conditions. This variant is present in population databases (no rsID available, gnomAD 0.007%).